The following is an entry in ClinVar:

ClinVar aggregate classification (germline): Benign. Review status: reviewed by expert panel (3 of 4 stars). 3 submissions from 3 submitters: Benign (1). 2 of the submissions do not count toward it. Last evaluated 2025-08-01.

Conditions:
RPGR-related retinopathy. Also called: RPGR retinopathy. Identifiers: MedGen CN305589, MONDO:0100437.

Allele frequency attached by ClinVar (database versions not stated): gnomAD exomes 0.01218 and 0.01467; ExAC 0.02576; gnomAD 0.03286 and 0.03423; ESP Exome Variant Server 0.03289; TOPMed 0.03835; 1000 Genomes Project 30x 0.04142; 1000 Genomes Project 0.04159.
gnomAD v4.1: 16,242 of 1,122,753 alleles (1.4%); highest among the groups gnomAD compares: African/African-American, 9.8%; 245 homozygotes.

Submissions (3):

ClinGen X-linked Inherited Retinal Disease Variant Curation Expert Panel, ClinGen
Classification: Benign for RPGR-related retinopathy. Last evaluated: 2025-08-01. Review status: reviewed by expert panel. Criteria: ClinGen X LinkedIRD ACMG Specifications RPGR V1.0.0. Collection method: curation. Allele origin: germline. Inheritance: X-linked inheritance.
Comment: NM_001034853.2(RPGR):c.-52C>A is a variant in the 5' untranslated region of RPGR. This variant is present in gnomAD v4.1.0 at a frequency of 0.01509 among hemizygous individuals, with 5,110 variant alleles / 338,637 total hemizygous alleles, which is higher than the ClinGen X-linked IRD VCEP BA1 threshold of >0.00005 (BA1). The splicing impact predictor SpliceAI gives a delta score of 0.01, which is below the ClinGen X-linked IRD VCEP recommended threshold of <0.1 and does not strongly predict an impact on splicing. However, BP4 is not considered applicable to 5' UTR variants in RPGR, so this code was not met. In summary, this variant is classified as benign for RPGR-related retinopathy based on the ClinGen X-linked Inherited Retinal Disease Expert Panel Specifications to the ACMG/AMP Variant Interpretation Guidelines for RPGR Version 1.0.0; BA1. (date of approval 05/16/2025).

GeneDx
Classification: Benign. Last evaluated: 2018-07-14. Review status: criteria provided, single submitter. Criteria: GeneDx Variant Classification Process June 2021. Collection method: clinical testing. Allele origin: germline. Affected: yes. Not counted in ClinVar's aggregate classification.

Breakthrough Genomics
Classification: Benign. Review status: criteria provided, single submitter. Criteria: ACMG Guidelines, 2015. Collection method: not provided. Allele origin: germline. Inheritance: X-linked inheritance. Affected: yes. Not counted in ClinVar's aggregate classification.

NM_001034853.2(RPGR):c.-52C>A

Genes: RPGR (retinitis pigmentosa GTPase regulator; minus strand), LOC130068098 (ATAC-STARR-seq lymphoblastoid silent region 20735; plus strand). Cytogenetic location: Xp11.4.
Variant type: single nucleotide variant.
Coding change: c.-52C>A on transcript NM_001034853.2 (MANE Select); 52 bases upstream of the start codon, C replaced by A.
Molecular consequence: 5 prime UTR variant. On other transcripts: non-coding transcript variant (5).
Genome position (GRCh38, 1-based): chrX:38,327,419, G>T on the plus strand (C>A on the coding strand, the complement: RPGR is on the minus strand). VCF-style: chrX-38327419-G-T. GRCh37 (hg19) VCF-style: chrX-38186672-G-T.
Other names: c.-52C>A (NM_000328.3, NM_001367245.1, NM_001367246.1 and 4 more transcripts).
Identifiers: ClinVar variation 1263529 (VCV001263529.4), dbSNP rs147711382, ClinGen allele CA10385761.
Genomic context (GRCh38, chrX:38,327,419, plus strand): 5'-CTCCCTCATGCCACGGGCAGTACGGGCAGCCTGCGCCGGGGCCAGGAGGCTGTAGAGGAC[G>T]GTTTGGTCGGGGCTAAAGCAGCTACTCCGCACCGACGCGGGCCGCGAAAGCCCCCAAGTT-3'